The following is an entry in ClinVar:

ClinVar aggregate classification (germline): Uncertain significance. Review status: criteria provided, multiple submitters, no conflicts (2 of 4 stars). 4 submissions from 3 submitters: Uncertain significance (4). Last evaluated 2023-02-08.

Conditions:
Seckel syndrome 1 (SCKL1). Also called: MICROCEPHALIC PRIMORDIAL DWARFISM I. Identifiers: Orphanet 808, MedGen C4551474, MONDO:0008869, OMIM 210600.
Inborn genetic diseases. Identifiers: MedGen C0950123, MeSH D030342.
Familial cutaneous telangiectasia and oropharyngeal predisposition cancer syndrome. Identifiers: Orphanet 313846, MedGen C3281203, MONDO:0013806, OMIM 614564.

Submissions (4):

Genome-Nilou Lab
Classification: Uncertain significance for Seckel syndrome 1. Last evaluated: 2023-02-08. Review status: criteria provided, single submitter. Criteria: ACMG Guidelines, 2015. Collection method: clinical testing. Allele origin: germline.

Genome-Nilou Lab
Classification: Uncertain significance for Familial cutaneous telangiectasia and oropharyngeal predisposition cancer syndrome. Last evaluated: 2023-02-08. Review status: criteria provided, single submitter. Criteria: ACMG Guidelines, 2015. Collection method: clinical testing. Allele origin: germline.

Ambry Genetics
Classification: Uncertain significance for Inborn genetic diseases. Last evaluated: 2022-09-17. Review status: criteria provided, single submitter. Criteria: Ambry Variant Classification Scheme 2023. Collection method: clinical testing. Allele origin: germline.
Comment: The p.L537F variant (also known as c.1611G>C), located in coding exon 7 of the ATR gene, results from a G to C substitution at nucleotide position 1611. The leucine at codon 537 is replaced by phenylalanine, an amino acid with highly similar properties. This amino acid position is conserved. In addition, this alteration is predicted to be tolerated by in silico analysis. Since supporting evidence is limited at this time, the clinical significance of this alteration remains unclear.

Labcorp Genetics (formerly Invitae), Labcorp
Classification: Uncertain significance. Last evaluated: 2021-12-04. Review status: criteria provided, single submitter. Criteria: Invitae Variant Classification Sherloc (09022015). Collection method: clinical testing. Allele origin: germline.
Comment: This sequence change replaces leucine, which is neutral and non-polar, with phenylalanine, which is neutral and non-polar, at codon 537 of the ATR protein (p.Leu537Phe). This variant is not present in population databases (gnomAD no frequency). This variant has not been reported in the literature in individuals affected with ATR-related conditions. Algorithms developed to predict the effect of missense changes on protein structure and function output the following: SIFT: "Tolerated"; PolyPhen-2: "Benign"; Align-GVGD: "Class C0". The phenylalanine amino acid residue is found in multiple mammalian species, which suggests that this missense change does not adversely affect protein function. In summary, the available evidence is currently insufficient to determine the role of this variant in disease. Therefore, it has been classified as a Variant of Uncertain Significance.

NM_001184.4(ATR):c.1611G>C (p.Leu537Phe)

Gene: ATR (ATR checkpoint kinase; minus strand). Cytogenetic location: 3q23.
Variant type: single nucleotide variant.
Coding change: c.1611G>C on transcript NM_001184.4 (MANE Select); coding-DNA position 1611, G replaced by C.
Protein change: p.Leu537Phe; replaces leucine 537 with phenylalanine.
Molecular consequence: missense variant.
Genome position (GRCh38, 1-based): chr3:142,559,372, C>G on the plus strand (G>C on the coding strand, the complement: ATR is on the minus strand). VCF-style: chr3-142559372-C-G. GRCh37 (hg19) VCF-style: chr3-142278214-C-G.
Other names: c.1419G>C, p.Leu473Phe (NM_001354579.2); short protein forms L537F, L473F.
Identifiers: ClinVar variation 1376778 (VCV001376778.8), dbSNP rs2108480149, ClinGen allele CA354822303.